The following is an entry in ClinVar:

ClinVar aggregate classification (germline): Conflicting classifications of pathogenicity. Review status: criteria provided, conflicting classifications (1 of 4 stars). 4 submissions from 4 submitters: Uncertain significance (1); Benign (1); Likely benign (2). Last evaluated 2024-12-13.

Conditions:
Inborn genetic diseases. Identifiers: MedGen C0950123, MeSH D030342.

Allele frequency attached by ClinVar (database versions not stated): gnomAD 0.00005 and 0.00007; gnomAD exomes 0.00007 and 0.00008; ExAC 0.00008; TOPMed 0.00010; ESP Exome Variant Server 0.00015; 1000 Genomes Project 30x 0.00016; 1000 Genomes Project 0.00020.

Submissions (4):

Mayo Clinic Laboratories, Mayo Clinic
Classification: Likely benign. Last evaluated: 2024-12-13. Review status: criteria provided, single submitter. Criteria: ACMG Guidelines, 2015. Collection method: clinical testing. Allele origin: germline. Observed: 1 variant allele.
Comment: BS2, BP1, BP4_moderate, BP5, PP2

Labcorp Genetics (formerly Invitae), Labcorp
Classification: Likely benign. Last evaluated: 2024-05-22. Review status: criteria provided, single submitter. Criteria: Invitae Variant Classification Sherloc (09022015). Collection method: clinical testing. Allele origin: germline.

Ambry Genetics
Classification: Uncertain significance for Inborn genetic diseases. Last evaluated: 2022-04-22. Review status: criteria provided, single submitter. Criteria: Ambry Variant Classification Scheme 2023. Collection method: clinical testing. Allele origin: germline.

Athena Diagnostics
Classification: Benign. Last evaluated: 2017-04-17. Review status: criteria provided, single submitter. Criteria: Athena Diagnostics Criteria. Collection method: clinical testing. Allele origin: germline.

NM_000435.3(NOTCH3):c.3575C>T (p.Thr1192Ile)

Gene: NOTCH3 (notch receptor 3; minus strand). Cytogenetic location: 19p13.12.
Variant type: single nucleotide variant.
Coding change: c.3575C>T on transcript NM_000435.3 (MANE Select); coding-DNA position 3575, C replaced by T.
Protein change: p.Thr1192Ile; replaces threonine 1192 with isoleucine.
Molecular consequence: missense variant.
Genome position (GRCh38, 1-based): chr19:15,179,168, G>A on the plus strand (C>T on the coding strand, the complement: NOTCH3 is on the minus strand). VCF-style: chr19-15179168-G-A. GRCh37 (hg19) VCF-style: chr19-15289979-G-A.
Other names: short protein forms T1192I.
Identifiers: ClinVar variation 447840 (VCV000447840.7), dbSNP rs150811543, ClinGen allele CA9263049.
Genomic context (GRCh38, chr19:15,179,168, plus strand): 5'-CCTGAGCGACACTCATTGATGTCTGCCTCGCAGCGCAAACCAGTGTATCCTGGGGGACAG[G>A]TGCAGCGGAAACCACCCACCAGGTCCACGCAGGTGCCATTGTGTAGGCACCGGGGCCCTG-3'
Protein context (NP_000426.2, residues 1182-1202): CVDLVGGFRC[Thr1192Ile]CPPGYTGLRC